The following is an entry in ClinVar:

ClinVar aggregate classification (germline): Uncertain significance (1 of 4 stars; one submission).

Conditions:
Deficiency of alpha-mannosidase (MANSA). Also called: LYSOSOMAL ALPHA-D-MANNOSIDASE DEFICIENCY; Mannosidosis, alpha-, types I and II; Alpha-Mannosidosis. Identifiers: Orphanet 61, MedGen C0024748, MONDO:0009561, OMIM 248500.

gnomAD v4.1: 15 of 1,613,812 alleles (0.00093%); highest among the groups gnomAD compares: Admixed American, 0.013%; no homozygotes.

Submission:

Labcorp Genetics (formerly Invitae), Labcorp
Classification: Uncertain significance for Deficiency of alpha-mannosidase. Last evaluated: 2022-07-08. Review status: criteria provided, single submitter. Criteria: Invitae Variant Classification Sherloc (09022015). Collection method: clinical testing. Allele origin: germline.
Comment: This sequence change replaces proline, which is neutral and non-polar, with glutamine, which is neutral and polar, at codon 562 of the MAN2B1 protein (p.Pro562Gln). This variant is present in population databases (rs368245289, gnomAD 0.02%). This variant has not been reported in the literature in individuals affected with MAN2B1-related conditions. Algorithms developed to predict the effect of missense changes on protein structure and function output the following: SIFT: "Tolerated"; PolyPhen-2: "Benign"; Align-GVGD: "Class C0". The glutamine amino acid residue is found in multiple mammalian species, which suggests that this missense change does not adversely affect protein function. In summary, the available evidence is currently insufficient to determine the role of this variant in disease. Therefore, it has been classified as a Variant of Uncertain Significance.

NM_000528.4(MAN2B1):c.1685C>A (p.Pro562Gln)

Gene: MAN2B1 (mannosidase alpha class 2B member 1; minus strand). Cytogenetic location: 19p13.13.
Variant type: single nucleotide variant.
Coding change: c.1685C>A on transcript NM_000528.4 (MANE Select); coding-DNA position 1685, C replaced by A.
Protein change: p.Pro562Gln; replaces proline 562 with glutamine.
Molecular consequence: missense variant.
Genome position (GRCh38, 1-based): chr19:12,655,839, G>T on the plus strand (C>A on the coding strand, the complement: MAN2B1 is on the minus strand). VCF-style: chr19-12655839-G-T. GRCh37 (hg19) VCF-style: chr19-12766653-G-T.
Other names: c.1682C>A, p.Pro561Gln (NM_001173498.2); short protein forms P561Q, P562Q.
Identifiers: ClinVar variation 2201256 (VCV002201256.1), dbSNP rs368245289, ClinGen allele CA9226346.
Genomic context (GRCh38, chr19:12,655,839, plus strand): 5'-TGGGCTACTGAATAGGTGCTGAAGCCCAGGGCGGGCAGTGAGGCTGAGAACAGCAGCTCC[G>T]GAGGGTGCGCCTGGCTGTCTGAGCTGGGAAATATTACCACCTCGGATAAAGGAGGAGGGA-3'
Protein context (NP_000519.2, residues 552-572): FPSSDSQAHP[Pro562Gln]ELLFSASLPA